The following is an entry in ClinVar:

ClinVar aggregate classification (germline): Uncertain significance (1 of 4 stars; one submission).

Conditions:
Spondyloenchondrodysplasia with immune dysregulation (SPENCDI). Also called: COMBINED IMMUNODEFICIENCY WITH AUTOIMMUNITY AND SPONDYLOMETAPHYSEAL DYSPLASIA; ROIFMAN IMMUNOSKELETAL SYNDROME; SPONDYLOENCHONDRODYSPLASIA WITH OR WITHOUT IMMUNE DYSREGULATION. Identifiers: Orphanet 1855, MedGen C1842763, MONDO:0011939, OMIM 607944.

gnomAD v4.1: 1 of 1,614,184 alleles (0.000062%); highest among the groups gnomAD compares: Non-Finnish European, 0.000085%; no homozygotes.

Submission:

Labcorp Genetics (formerly Invitae), Labcorp
Classification: Uncertain significance for Spondyloenchondrodysplasia with immune dysregulation. Last evaluated: 2020-11-16. Review status: criteria provided, single submitter. Criteria: Invitae Variant Classification Sherloc (09022015). Collection method: clinical testing. Allele origin: germline.
Comment: This sequence change replaces arginine with methionine at codon 324 of the ACP5 protein (p.Arg324Met). The¬†arginine¬†residue is moderately conserved and there is a moderate physicochemical difference between¬†arginine¬†and methionine. This variant is present in population databases (rs145265651, ExAC 0.002%). This variant has not been reported in the literature in individuals with ACP5-related disease. Algorithms developed to predict the effect of missense changes on protein structure and function (SIFT, PolyPhen-2, Align-GVGD) all suggest that this variant is likely to be tolerated, but these predictions have not been confirmed by published functional studies and their clinical significance is uncertain. In summary, the available evidence is currently insufficient to determine the role of this variant in disease. Therefore, it has been classified as a Variant of Uncertain Significance.

NM_001611.5(ACP5):c.971G>T (p.Arg324Met)

Gene: ACP5 (acid phosphatase 5, tartrate resistant; minus strand). Cytogenetic location: 19p13.2.
Variant type: single nucleotide variant.
Coding change: c.971G>T on transcript NM_001611.5 (MANE Select); coding-DNA position 971, G replaced by T.
Protein change: p.Arg324Met; replaces arginine 324 with methionine.
Molecular consequence: missense variant.
Genome position (GRCh38, 1-based): chr19:11,575,017, C>A on the plus strand (G>T on the coding strand, the complement: ACP5 is on the minus strand). VCF-style: chr19-11575017-C-A. GRCh37 (hg19) VCF-style: chr19-11685832-C-A.
Other names: c.971G>T, p.Arg324Met (LRG_1218t1, NM_001111034.3, NM_001111035.3 and 2 more transcripts); short protein forms R324M.
Identifiers: ClinVar variation 656736 (VCV000656736.6), dbSNP rs145265651, ClinGen allele CA9215281.